The following is an entry in ClinVar:

NM_002474.3(MYH11):c.3067A>C (p.Lys1023Gln)

Gene: MYH11 (myosin heavy chain 11; minus strand). Cytogenetic location: 16p13.11.
Variant type: single nucleotide variant.
Coding change: c.3067A>C on transcript NM_002474.3 (MANE Select); coding-DNA position 3067, A replaced by C.
Protein change: p.Lys1023Gln; replaces lysine 1023 with glutamine.
Molecular consequence: missense variant.
Genome position (GRCh38, 1-based): chr16:15,738,619, T>G on the plus strand (A>C on the coding strand, the complement: MYH11 is on the minus strand). VCF-style: chr16-15738619-T-G. GRCh37 (hg19) VCF-style: chr16-15832476-T-G.
Other names: c.3088A>C, p.Lys1030Gln (NM_001040113.2, NM_001040114.2); c.3067A>C, p.Lys1023Gln (NM_022844.3); short protein forms K1023Q, K1030Q.
Identifiers: ClinVar variation 3073421 (VCV003073421.1), dbSNP rs2506191790, ClinGen allele CA394863802.

ClinVar aggregate classification (germline): Uncertain significance (1 of 4 stars; one submission).

Conditions:
Familial thoracic aortic aneurysm and aortic dissection (TAAD). Also called: Thoracic aortic aneurysms and dissections. Identifiers: Orphanet 91387, MedGen C4707243, MONDO:0019625.

Submission:

All of Us Research Program, National Institutes of Health
Classification: Uncertain significance for Familial thoracic aortic aneurysm and aortic dissection. Last evaluated: 2023-09-17. Review status: criteria provided, single submitter. Criteria: ACMG Guidelines, 2015. Collection method: clinical testing. Allele origin: germline. Inheritance: Autosomal dominant inheritance. Observed: 1 variant allele, 1 heterozygote.
Comment: This missense variant replaces lysine with glutamine at codon 1030 of the MYH11 protein. Computational prediction suggests that this variant may have deleterious impact on protein structure and function (internally defined REVEL score threshold >= 0.7, PMID: 27666373). To our knowledge, functional studies have not been reported for this variant. This variant has not been reported in individuals affected with MYH11-related disorders in the literature. This variant has not been identified in the general population by the Genome Aggregation Database (gnomAD). The available evidence is insufficient to determine the role of this variant in disease conclusively. Therefore, this variant is classified as a Variant of Uncertain Significance.

This study involves interpretation of variants in research participants for the purpose of population health screening. Participant phenotype was not available at the time of variant classification. Additional details can be found in publication PMID: 35346344, PMCID: PMC8962531